The following is an entry in ClinVar:

ClinVar aggregate classification (germline): Pathogenic. Review status: criteria provided, multiple submitters, no conflicts (2 of 4 stars). 2 submissions from 2 submitters: Pathogenic (2). Last evaluated 2025-01-01.

Conditions:
Hermansky-Pudlak syndrome 4 (HPS4). Identifiers: Orphanet 231500, Orphanet 79430, MedGen C3484357, MONDO:0013556, OMIM 614073.

Submissions (2):

Laboratory of Genetic Epidemiology, Research Centre for Medical Genetics
Classification: Pathogenic for Hermansky-Pudlak syndrome 4. Last evaluated: 2025-01-01. Review status: criteria provided, single submitter. Criteria: ACMG Guidelines, 2015. Collection method: clinical testing. Allele origin: biparental. Inheritance: Autosomal recessive inheritance. Affected: yes. Observed: 1 homozygote.
Comment: This variant has not been previously reported in the literature and is not listed in gnomAD v3.1.2. Taken together, the variant meets the following ACMG/AMP criteria and can be classified as pathogenic with PM2, PVS1, PM3, PP4 criteria.

Labcorp Genetics (formerly Invitae), Labcorp
Classification: Pathogenic. Last evaluated: 2024-03-09. Review status: criteria provided, single submitter. Criteria: Invitae Variant Classification Sherloc (09022015). Collection method: clinical testing. Allele origin: germline.
Comment: This sequence change creates a premature translational stop signal (p.Pro395Glnfs*40) in the HPS4 gene. It is expected to result in an absent or disrupted protein product. Loss-of-function variants in HPS4 are known to be pathogenic (PMID: 12664304). This variant is not present in population databases (gnomAD no frequency). This variant has not been reported in the literature in individuals affected with HPS4-related conditions. For these reasons, this variant has been classified as Pathogenic.

Literature cited by the submitters: PubMed 41428507 (cited by Laboratory of Genetic Epidemiology, Research Centre for Medical Genetics); PubMed 12664304 (cited by Labcorp Genetics (formerly Invitae), Labcorp).

NM_022081.6(HPS4):c.1184del (p.Pro395fs)

Gene: HPS4 (HPS4 biogenesis of lysosomal organelles complex 3 subunit 2; minus strand). Cytogenetic location: 22q12.1.
Variant type: Deletion.
Coding change: c.1184del on transcript NM_022081.6 (MANE Select); coding-DNA position 1184, one base deleted (C; older notation c.1184delC).
Protein change: p.Pro395fs; shifts the reading frame from proline 395.
Molecular consequence: frameshift variant. On other transcripts: non-coding transcript variant (8).
Genome position (GRCh38, 1-based): chr22:26,464,446, G deleted on the plus strand (C on the coding strand, the reverse complement: HPS4 is on the minus strand); the first of 2 consecutive G bases (chr22:26,464,446-26,464,447); deleting either gives the same sequence. VCF-style (leftmost placement, unchanged base first): chr22-26464445-TG-T. GRCh37 (hg19) VCF-style: chr22-26860411-TG-T.
Other names: c.1184del, p.Pro395fs (NM_001349896.1, NM_001349898.2, NM_001349899.2 and 5 more transcripts); c.1238del, p.Pro413fs (NM_001349900.2, NM_001349901.1); c.1169del, p.Pro390fs (NM_152841.2); short protein forms P413fs, P390fs, P395fs.
Identifiers: ClinVar variation 3645167 (VCV003645167.3).
Genomic context (GRCh38, chr22:26,464,445, plus strand): 5'-CGTGGGTTCCAGGCTGCTGGAGGCGCTGAGAGATGCCTTGCAGTAAGGAGCCCTGCCATC[TG>T]GAACAGGCACATGTAGGAAGGCAAAATGACCTGAGGCCATTTCCACTTCCTGAGCCTCTG-3'